The following is an entry in ClinVar:

ClinVar aggregate classification (germline): Conflicting classifications of pathogenicity. Review status: criteria provided, conflicting classifications (1 of 4 stars). 2 submissions from 2 submitters: Uncertain significance (1); Likely benign (1). Last evaluated 2023-11-18.

Conditions:
Dilated cardiomyopathy 1G (CMD1G). Identifiers: Orphanet 154, MedGen C1858763, MONDO:0011400, OMIM 604145.
Autosomal recessive limb-girdle muscular dystrophy type 2J (LGMDR10). Also called: MUSCULAR DYSTROPHY, LIMB-GIRDLE, AUTOSOMAL RECESSIVE 10; Limb-girdle muscular dystrophy, type 2J. Identifiers: Orphanet 140922, MedGen C1837342, MONDO:0012127, OMIM 608807.

Allele frequency attached by ClinVar (database versions not stated): TOPMed 0.00002.

Submissions (2):

Labcorp Genetics (formerly Invitae), Labcorp
Classification: Likely benign for Dilated cardiomyopathy 1G; Autosomal recessive limb-girdle muscular dystrophy type 2J. Last evaluated: 2023-11-18. Review status: criteria provided, single submitter. Criteria: Invitae Variant Classification Sherloc (09022015). Collection method: clinical testing. Allele origin: germline.

Laboratory for Molecular Medicine, Mass General Brigham Personalized Medicine
Classification: Uncertain significance. Last evaluated: 2018-07-31. Review status: criteria provided, single submitter. Criteria: LMM Criteria. Collection method: clinical testing. Allele origin: germline. Observed: 1 variant allele.
Comment: The c.41829-13G>A variant in TTN has not been reported in individuals with cardi omyopathy or in large population studies. This variant is located in the 3' spli ce region. Computational tools do not predict altered splicing, though this info rmation is not predictive enough to rule out pathogenicity. In summary, the clin ical significance of the c.41829-13G>A variant is uncertain. ACMG/AMP Criteria a pplied: BP4, PM2.

NM_001267550.2(TTN):c.49533-13G>A

Genes: TTN (titin; minus strand), TTN-AS1 (TTN antisense RNA 1; plus strand). Cytogenetic location: 2q31.2.
Variant type: single nucleotide variant.
Coding change: c.49533-13G>A on transcript NM_001267550.2 (MANE Select); 13 bases into the intron before coding-DNA position 49533, G replaced by A.
Molecular consequence: intron variant.
Genome position (GRCh38, 1-based): chr2:178,613,289, C>T on the plus strand (G>A on the coding strand, the complement: TTN is on the minus strand). VCF-style: chr2-178613289-C-T. GRCh37 (hg19) VCF-style: chr2-179478016-C-T.
Other names: c.22338-13G>A (NM_003319.4); c.22914-13G>A (NM_133437.4); c.22713-13G>A (NM_133432.3); c.41829-13G>A (NM_133378.4); c.44610-13G>A (NM_001256850.1).
Identifiers: ClinVar variation 667347 (VCV000667347.7), dbSNP rs13395942, ClinGen allele CA60986863.
Genomic context (GRCh38, chr2:178,613,289, plus strand): 5'-GCCAACACACGGAATCTGTATTTTTTCTTATTAGTGAGACCTTTCACTCTGAATTAGGAA[C>T]AAAGTGCATGTGTATCATCATGGTAAGAAGCAGAAGAAGCCTATGTTTATTTTACACAGA-3'